The following is an entry in ClinVar:

ClinVar aggregate classification (germline): Uncertain significance (1 of 4 stars; one submission).

Conditions:
Retinitis pigmentosa 71 (RP71). Identifiers: Orphanet 791, MedGen C4225342, MONDO:0014618, OMIM 616394.
Short-rib thoracic dysplasia 10 with or without polydactyly (SRTD10). Identifiers: Orphanet 474, MedGen C3810175, MONDO:0014284, OMIM 615630.

Allele frequency attached by ClinVar (database versions not stated): gnomAD exomes below 0.00001; ExAC 0.00001; gnomAD 0.00001; TOPMed 0.00001; ESP Exome Variant Server 0.00008.

Submission:

Labcorp Genetics (formerly Invitae), Labcorp
Classification: Uncertain significance for Retinitis pigmentosa 71; Short-rib thoracic dysplasia 10 with or without polydactyly. Last evaluated: 2020-09-11. Review status: criteria provided, single submitter. Criteria: Invitae Variant Classification Sherloc (09022015). Collection method: clinical testing. Allele origin: germline.
Comment: In summary, the available evidence is currently insufficient to determine the role of this variant in disease. Therefore, it has been classified as a Variant of Uncertain Significance. Algorithms developed to predict the effect of sequence changes on RNA splicing suggest that this variant may create or strengthen a splice site, but this prediction has not been confirmed by published transcriptional studies. Algorithms developed to predict the effect of missense changes on protein structure and function are either unavailable or do not agree on the potential impact of this missense change (SIFT: "Tolerated"; PolyPhen-2: "Possibly Damaging"; Align-GVGD: "Class C0"). This variant has not been reported in the literature in individuals with IFT172-related conditions. This variant is present in population databases (rs143661402, ExAC 0.001%). This sequence change replaces asparagine with lysine at codon 405 of the IFT172 protein (p.Asn405Lys). The asparagine residue is moderately conserved and there is a moderate physicochemical difference between asparagine and lysine.

NM_015662.3(IFT172):c.1215T>G (p.Asn405Lys)

Gene: IFT172 (intraflagellar transport 172; minus strand). Cytogenetic location: 2p23.3.
Variant type: single nucleotide variant.
Coding change: c.1215T>G on transcript NM_015662.3 (MANE Select); coding-DNA position 1215, T replaced by G.
Protein change: p.Asn405Lys; replaces asparagine 405 with lysine.
Molecular consequence: missense variant.
Genome position (GRCh38, 1-based): chr2:27,477,565, A>C on the plus strand (T>G on the coding strand, the complement: IFT172 is on the minus strand). VCF-style: chr2-27477565-A-C. GRCh37 (hg19) VCF-style: chr2-27700432-A-C.
Other names: short protein forms N405K.
Identifiers: ClinVar variation 1056515 (VCV001056515.9), dbSNP rs143661402, ClinGen allele CA1580736.
Genomic context (GRCh38, chr2:27,477,565, plus strand): 5'-AGAAGCTAGAAGGAGGCTTATCAAGATGGTGATGGTGAATCAAGCTCTACTCACATTCTC[A>C]TTTTCAAAGAAATACTTCTCATTGCCACCAGATCCTTGCCAGGCTATCTGTAACGGGAGA-3'
Protein context (NP_056477.1, residues 395-415): SGGNEKYFFE[Asn405Lys]ENVCMIFNAG